The following is an entry in ClinVar:

ClinVar aggregate classification (germline): Likely pathogenic (1 of 4 stars; one submission).

Conditions:
Hereditary cancer-predisposing syndrome. Also called: Hereditary Cancer Syndrome; Hereditary neoplastic syndrome; Neoplastic Syndromes, Hereditary; Tumor predisposition. Identifiers: Orphanet 140162, MedGen C0027672, MeSH D009386, MONDO:0015356.

Submission:

Ambry Genetics
Classification: Likely pathogenic for Hereditary cancer-predisposing syndrome. Last evaluated: 2026-09-02. Review status: criteria provided, single submitter. Criteria: Ambry Variant Classification Scheme 2023. Collection method: clinical testing. Allele origin: germline.
Comment: The p.A284V variant (also known as c.851C>T), located in coding exon 5 of the MEN1 gene, results from a C to T substitution at nucleotide position 851. The alanine at codon 284 is replaced by valine, an amino acid with similar properties. This alteration has been observed in multiple individuals with a personal and/or family history that is consistent with MEN1-related disease (Giusti F et al. J Clin Endocrinol Metab, 2022 Apr;107:e2110-e2123; Tonelli F et al. Ann Surg, 2006 Jul;244:61-70; Marini F et al. Endocrine, 2018 Oct;62:234-241; Marini F et al. Endocrine, 2018 Oct;62:215-233; Ambry internal data). This amino acid position is highly conserved in available vertebrate species. In addition, this alteration is predicted to be deleterious by in silico analysis. Based on the majority of available evidence to date, this variant is likely to be pathogenic.

Literature cited by the submitters: PubMed 16794390; PubMed 29497973; PubMed 30032405; PubMed 34922358.

NM_001370259.2(MEN1):c.851C>T (p.Ala284Val)

Gene: MEN1 (menin 1; minus strand). Cytogenetic location: 11q13.1.
Variant type: single nucleotide variant.
Coding change: c.851C>T on transcript NM_001370259.2 (MANE Select); coding-DNA position 851, C replaced by T.
Protein change: p.Ala284Val; replaces alanine 284 with valine.
Molecular consequence: missense variant. On other transcripts: non-coding transcript variant (4).
Genome position (GRCh38, 1-based): chr11:64,807,072, G>A on the plus strand (C>T on the coding strand, the complement: MEN1 is on the minus strand). VCF-style: chr11-64807072-G-A. GRCh37 (hg19) VCF-style: chr11-64574544-G-A.
Other names: c.866C>T, p.Ala289Val (NM_000244.4, NM_001407145.1, NM_001407150.1 and 5 more transcripts); c.851C>T, p.Ala284Val (NM_001370251.2, NM_001370260.2, NM_001370261.2 and 7 more transcripts); c.746C>T, p.Ala249Val (NM_001370262.2, NM_001370263.2, NM_001407148.1 and 2 more transcripts); short protein forms A249V, A284V, A289V.
Identifiers: ClinVar variation 2450220 (VCV002450220.3), dbSNP rs1565645563, ClinGen allele CA381183649.
Genomic context (GRCh38, chr11:64,807,072, plus strand): 5'-TTGTGGTAGAGGGTGAGTGGGTCTGGCCGGCCAGGGGTGGGCTCCAGCTCCTCTAGATCT[G>A]CCAGGTTCCCTAAGGCCATGGGGTACCTAGGAAAGGATCATAATTCAGGCTGCCACCCAG-3'
Protein context (NP_001357188.2, residues 274-294): ERYPMALGNL[Ala284Val]DLEELEPTPG